The following is an entry in ClinVar:

ClinVar aggregate classification (germline): Uncertain significance (1 of 4 stars; one submission).

Allele frequency attached by ClinVar (database versions not stated): gnomAD exomes below 0.00001; TOPMed below 0.00001.
gnomAD v4.1: 2 of 1,614,098 alleles (0.00012%); highest among the groups gnomAD compares: Admixed American, 0.0033%; no homozygotes.

Submission:

Ambry Genetics
Classification: Uncertain significance. Last evaluated: 2024-02-20. Review status: criteria provided, single submitter. Criteria: Ambry Variant Classification Scheme 2023. Collection method: clinical testing. Allele origin: germline.
Comment: The p.S1205G variant (also known as c.3613A>G), located in coding exon 4 of the ALPK2 gene, results from an A to G substitution at nucleotide position 3613. The serine at codon 1205 is replaced by glycine, an amino acid with similar properties. This amino acid position is conserved. In addition, this alteration is predicted to be tolerated by in silico analysis. Since supporting evidence is limited at this time, the clinical significance of this alteration remains unclear.

NM_052947.4(ALPK2):c.3613A>G (p.Ser1205Gly)

Gene: ALPK2 (alpha kinase 2; minus strand). Cytogenetic location: 18q21.31.
Variant type: single nucleotide variant.
Coding change: c.3613A>G on transcript NM_052947.4 (MANE Select); coding-DNA position 3613, A replaced by G.
Protein change: p.Ser1205Gly; replaces serine 1205 with glycine.
Molecular consequence: missense variant.
Genome position (GRCh38, 1-based): chr18:58,536,574, T>C on the plus strand (A>G on the coding strand, the complement: ALPK2 is on the minus strand). VCF-style: chr18-58536574-T-C. GRCh37 (hg19) VCF-style: chr18-56203806-T-C.
Other names: short protein forms S1205G.
Identifiers: ClinVar variation 1733254 (VCV001733254.2), dbSNP rs1408415934, ClinGen allele CA402566357.